The following is an entry in ClinVar:

ClinVar aggregate classification (germline): Likely pathogenic. Review status: criteria provided, single submitter (1 of 4 stars). 3 submissions from 3 submitters: Likely pathogenic (1). 2 of the submissions do not count toward it. Last evaluated 2023-09-08.

Conditions:
Jeune thoracic dystrophy. Also called: Jeune syndrome; Infantile thoracic dystrophy; Thoracic pelvic phalangeal dystrophy; Jeune's syndrome; Chondroectodermal dysplasia-like syndrome; Short-rib thoracic dysplasia. Identifiers: Orphanet 474, MedGen C0265275, MONDO:0018770.
Asphyxiating thoracic dystrophy 3. Also called: POLYDACTYLY WITH NEONATAL CHONDRODYSTROPHY, TYPE I; Saldino-Noonan Syndrome; Short rib polydactyly syndrome 2B; SHORT-RIB THORACIC DYSPLASIA 3/6 WITH POLYDACTYLY, DIGENIC; SHORT-RIB THORACIC DYSPLASIA 3 WITH OR WITHOUT POLYDACTYLY. Identifiers: Orphanet 474, Orphanet 93269, Orphanet 93270, Orphanet 93271, MedGen C0036069, MONDO:0013127, OMIM 613091.

Allele frequency attached by ClinVar (database versions not stated): gnomAD exomes below 0.00001.
gnomAD v4.1: 5 of 1,595,662 alleles (0.00031%); highest among the groups gnomAD compares: Non-Finnish European, 0.00034%; no homozygotes.

Submissions (3):

Labcorp Genetics (formerly Invitae), Labcorp
Classification: Likely pathogenic for Jeune thoracic dystrophy. Last evaluated: 2023-09-08. Review status: criteria provided, single submitter. Criteria: Invitae Variant Classification Sherloc (09022015). Collection method: clinical testing. Allele origin: germline.
Comment: ClinVar contains an entry for this variant (Variation ID: 446535). Algorithms developed to predict the effect of sequence changes on RNA splicing suggest that this variant may disrupt the consensus splice site. In summary, the currently available evidence indicates that the variant is pathogenic, but additional data are needed to prove that conclusively. Therefore, this variant has been classified as Likely Pathogenic. Disruption of this splice site has been observed in individual(s) with short-rib thoracic dysplasia with polydactyly (PMID: 29068549). This sequence change affects an acceptor splice site in intron 45 of the DYNC2H1 gene. It is expected to disrupt RNA splicing. Variants that disrupt the donor or acceptor splice site typically lead to a loss of protein function (PMID: 16199547), and loss-of-function variants in DYNC2H1 are known to be pathogenic (PMID: 23339108, 32753734, 33755199). This variant is not present in population databases (gnomAD no frequency).

Dan Cohn Lab, University Of California Los Angeles
Classification: Pathogenic for Asphyxiating thoracic dystrophy 3. Last evaluated: 2017-06-01. Review status: no assertion criteria provided. Collection method: research. Allele origin: unknown. Affected: yes. Not counted in ClinVar's aggregate classification.

University of Washington Center for Mendelian Genomics, University of Washington
Classification: Likely pathogenic for Asphyxiating thoracic dystrophy 3. Review status: no assertion criteria provided. Collection method: research. Allele origin: inherited. Affected: yes. Not counted in ClinVar's aggregate classification.

Literature cited by the submitters: PubMed 29068549 (cited by 3 submitters); PubMed 16199547 (cited by Labcorp Genetics (formerly Invitae), Labcorp); PubMed 23339108 (cited by Labcorp Genetics (formerly Invitae), Labcorp); PubMed 32753734 (cited by Labcorp Genetics (formerly Invitae), Labcorp); PubMed 33755199 (cited by Labcorp Genetics (formerly Invitae), Labcorp).

NM_001377.3(DYNC2H1):c.7438-2A>G

Gene: DYNC2H1 (dynein cytoplasmic 2 heavy chain 1; plus strand). Cytogenetic location: 11q22.3.
Variant type: single nucleotide variant.
Coding change: c.7438-2A>G on transcript NM_001377.3 (MANE Select); the canonical splice acceptor site of the intron before coding-DNA position 7438, A replaced by G.
Molecular consequence: splice acceptor variant.
Genome position (GRCh38, 1-based): chr11:103,191,515, A>G. VCF-style: chr11-103191515-A-G. GRCh37 (hg19) VCF-style: chr11-103062244-A-G.
Other names: c.7438-2A>G (NM_001080463.2).
Identifiers: ClinVar variation 446535 (VCV000446535.6), dbSNP rs1555063811, ClinGen allele CA382254014.